The following is an entry in ClinVar:

NM_175737.4(KLB):c.89T>C (p.Met30Thr)

Gene: KLB (klotho beta; plus strand). Cytogenetic location: 4p14.
Variant type: single nucleotide variant.
Coding change: c.89T>C on transcript NM_175737.4 (MANE Select); coding-DNA position 89, T replaced by C.
Protein change: p.Met30Thr; replaces methionine 30 with threonine.
Molecular consequence: missense variant.
Genome position (GRCh38, 1-based): chr4:39,407,038, T>C. VCF-style: chr4-39407038-T-C. GRCh37 (hg19) VCF-style: chr4-39408658-T-C.
Other names: short protein forms M30T.
Identifiers: ClinVar variation 2909658 (VCV002909658.3), dbSNP rs372258323, ClinGen allele CA2893608.

ClinVar aggregate classification (germline): Uncertain significance (1 of 4 stars; one submission).

Submission:

Labcorp Genetics (formerly Invitae), Labcorp
Classification: Uncertain significance. Last evaluated: 2023-12-09. Review status: criteria provided, single submitter. Criteria: Invitae Variant Classification Sherloc (09022015). Collection method: clinical testing. Allele origin: germline.
Comment: This sequence change replaces methionine, which is neutral and non-polar, with threonine, which is neutral and polar, at codon 30 of the KLB protein (p.Met30Thr). This variant is present in population databases (rs372258323, gnomAD 0.01%). This variant has not been reported in the literature in individuals affected with KLB-related conditions. An algorithm developed to predict the effect of missense changes on protein structure and function (PolyPhen-2) suggests that this variant is likely to be tolerated. In summary, the available evidence is currently insufficient to determine the role of this variant in disease. Therefore, it has been classified as a Variant of Uncertain Significance.